The following is an entry in ClinVar:

ClinVar aggregate classification (germline): Uncertain significance (1 of 4 stars; one submission).

Conditions:
Hereditary pancreatitis (PCTT). Also called: Hereditary chronic pancreatitis; PRSS1-Related Hereditary Pancreatitis. Identifiers: Orphanet 676, MedGen C0238339, MONDO:0008185, OMIM 167800.

Submission:

Ambry Genetics
Classification: Uncertain significance for Hereditary pancreatitis. Last evaluated: 2025-03-29. Review status: criteria provided, single submitter. Criteria: Ambry Variant Classification Scheme 2023. Collection method: clinical testing. Allele origin: germline.
Comment: The p.S16C variant (also known as c.46A>T), located in coding exon 1 of the SPINK1 gene, results from an A to T substitution at nucleotide position 46. The serine at codon 16 is replaced by cysteine, an amino acid with dissimilar properties. This amino acid position is not well conserved in available vertebrate species. In addition, this alteration is predicted to be tolerated by in silico analysis. Based on the available evidence, the clinical significance of this variant remains unclear.

NM_001379610.1(SPINK1):c.46A>T (p.Ser16Cys)

Gene: SPINK1 (serine peptidase inhibitor Kazal type 1; minus strand). Cytogenetic location: 5q32.
Variant type: single nucleotide variant.
Coding change: c.46A>T on transcript NM_001379610.1 (MANE Select); coding-DNA position 46, A replaced by T.
Protein change: p.Ser16Cys; replaces serine 16 with cysteine.
Molecular consequence: missense variant.
Genome position (GRCh38, 1-based): chr5:147,831,532, T>A on the plus strand (A>T on the coding strand, the complement: SPINK1 is on the minus strand). VCF-style: chr5-147831532-T-A. GRCh37 (hg19) VCF-style: chr5-147211095-T-A.
Other names: c.46A>T, p.Ser16Cys (NM_001354966.2, NM_003122.5); short protein forms S16C.
Identifiers: ClinVar variation 3961104 (VCV003961104.1).